The following is an entry in ClinVar:

NM_001379291.1(BRD4):c.2132C>G (p.Ser711Cys)

Gene: BRD4 (bromodomain containing 4; minus strand). Cytogenetic location: 19p13.12.
Variant type: single nucleotide variant.
Coding change: c.2132C>G on transcript NM_001379291.1 (MANE Select); coding-DNA position 2132, C replaced by G.
Protein change: p.Ser711Cys; replaces serine 711 with cysteine.
Molecular consequence: missense variant.
Genome position (GRCh38, 1-based): chr19:15,254,178, G>C on the plus strand (C>G on the coding strand, the complement: BRD4 is on the minus strand). VCF-style: chr19-15254178-G-C. GRCh37 (hg19) VCF-style: chr19-15364989-G-C.
Other names: c.2132C>G, p.Ser711Cys (NM_001330384.2, NM_001379292.1, NM_014299.3 and 1 more transcripts); short protein forms S711C.
Identifiers: ClinVar variation 2829933 (VCV002829933.3), dbSNP rs2512552412, ClinGen allele CA404516476.
Genomic context (GRCh38, chr19:15,254,178, plus strand): 5'-TTTGGTAAGACACGTAGAACACAAGTCACCTAACCTGTTTCGGAGTCTTCGCTGTCAGAG[G>C]AGCTGGACTCACTGGAGCTCTCCGACTCTGAGGACGAGAAGCCCTTCATCTTGGAGGAGC-3'
Protein context (NP_001366220.1, residues 701-721): SESESSSESS[Ser711Cys]SDSEDSETEM

ClinVar aggregate classification (germline): Uncertain significance (1 of 4 stars; one submission).

Submission:

Labcorp Genetics (formerly Invitae), Labcorp
Classification: Uncertain significance. Last evaluated: 2023-01-18. Review status: criteria provided, single submitter. Criteria: Invitae Variant Classification Sherloc (09022015). Collection method: clinical testing. Allele origin: germline.
Comment: In summary, the available evidence is currently insufficient to determine the role of this variant in disease. Therefore, it has been classified as a Variant of Uncertain Significance. Advanced modeling of protein sequence and biophysical properties (such as structural, functional, and spatial information, amino acid conservation, physicochemical variation, residue mobility, and thermodynamic stability) performed at Invitae indicates that this missense variant is not expected to disrupt BRD4 protein function. This variant has not been reported in the literature in individuals affected with BRD4-related conditions. This variant is not present in population databases (gnomAD no frequency). This sequence change replaces serine, which is neutral and polar, with cysteine, which is neutral and slightly polar, at codon 711 of the BRD4 protein (p.Ser711Cys).